The following is an entry in ClinVar:

NM_001014342.3(FLG2):c.4783C>T (p.Arg1595Ter)

Genes: CCDST (cervical cancer associated DHX9 suppressive transcript; plus strand), FLG2 (filaggrin 2; minus strand). Cytogenetic location: 1q21.3.
Variant type: single nucleotide variant.
Coding change: c.4783C>T on transcript NM_001014342.3 (MANE Select); coding-DNA position 4783, C replaced by T.
Protein change: p.Arg1595Ter; replaces arginine 1595 with a stop codon.
Molecular consequence: nonsense.
Genome position (GRCh38, 1-based): chr1:152,353,003, G>A on the plus strand (C>T on the coding strand, the complement: FLG2 is on the minus strand). VCF-style: chr1-152353003-G-A. GRCh37 (hg19) VCF-style: chr1-152325479-G-A.
Other names: short protein forms R1595*.
Identifiers: ClinVar variation 2504511 (VCV002504511.1), dbSNP rs771013080, ClinGen allele CA1108664.

ClinVar aggregate classification (germline): Uncertain significance (1 of 4 stars; one submission).

Allele frequency attached by ClinVar (database versions not stated): ExAC 0.00010.
gnomAD v4.1: 69 of 1,613,002 alleles (0.0043%); highest among the groups gnomAD compares: East Asian, 0.031%; no homozygotes.

Submission:

GeneDx
Classification: Uncertain significance. Last evaluated: 2022-11-28. Review status: criteria provided, single submitter. Criteria: GeneDx Variant Classification Process June 2021. Collection method: clinical testing. Allele origin: germline. Affected: yes.
Comment: Observed as heterozygous and potentially exacerbating the EB symptoms in a patient with COL7A1-related dystrophic epidermolysis bullosa reported in the published literature (Darbord et al., 2022); Nonsense variant predicted to result in protein truncation as the last 797 amino acids are lost, although loss-of-function variants have not been reported downstream of this position in the protein; This variant is associated with the following publications: (PMID: 34543471)